The following is an entry in ClinVar:

NM_000170.3(GLDC):c.1505G>C (p.Gly502Ala)

Gene: GLDC (glycine decarboxylase; minus strand). Cytogenetic location: 9p24.1.
Variant type: single nucleotide variant.
Coding change: c.1505G>C on transcript NM_000170.3 (MANE Select); coding-DNA position 1505, G replaced by C.
Protein change: p.Gly502Ala; replaces glycine 502 with alanine.
Molecular consequence: missense variant.
Genome position (GRCh38, 1-based): chr9:6,589,270, C>G on the plus strand (G>C on the coding strand, the complement: GLDC is on the minus strand). VCF-style: chr9-6589270-C-G. GRCh37 (hg19) VCF-style: chr9-6589270-C-G.
Other names: short protein forms G502A.
Identifiers: ClinVar variation 2076397 (VCV002076397.1), dbSNP rs368393226, ClinGen allele CA4980670.

ClinVar aggregate classification (germline): Uncertain significance (1 of 4 stars; one submission).

Conditions:
Glycine encephalopathy. Also called: Nonketotic hyperglycinemia; Non-ketotic hyperglycinemia. Identifiers: Orphanet 407, MedGen C0751748, MONDO:0011612, HP:0008288.

Allele frequency attached by ClinVar (database versions not stated): ExAC 0.00002; TOPMed 0.00002; ESP Exome Variant Server 0.00008.
gnomAD v4.1: 4 of 1,608,158 alleles (0.00025%); highest among the groups gnomAD compares: African/African-American, 0.0053%; no homozygotes.

Submission:

Labcorp Genetics (formerly Invitae), Labcorp
Classification: Uncertain significance for Glycine encephalopathy. Last evaluated: 2022-08-19. Review status: criteria provided, single submitter. Criteria: Invitae Variant Classification Sherloc (09022015). Collection method: clinical testing. Allele origin: germline.
Comment: This sequence change replaces glycine, which is neutral and non-polar, with alanine, which is neutral and non-polar, at codon 502 of the GLDC protein (p.Gly502Ala). This variant is present in population databases (rs368393226, gnomAD 0.01%). This variant has not been reported in the literature in individuals affected with GLDC-related conditions. Advanced modeling of protein sequence and biophysical properties (such as structural, functional, and spatial information, amino acid conservation, physicochemical variation, residue mobility, and thermodynamic stability) performed at Invitae indicates that this missense variant is not expected to disrupt GLDC protein function. In summary, the available evidence is currently insufficient to determine the role of this variant in disease. Therefore, it has been classified as a Variant of Uncertain Significance.